The following is an entry in ClinVar:

ClinVar aggregate classification (germline): Benign. Review status: criteria provided, multiple submitters, no conflicts (2 of 4 stars). 3 submissions from 3 submitters: Benign (2). 1 of the submissions does not count toward it. Last evaluated 2026-02-02.

Conditions:
PCLO-related disorder. Also called: PCLO-related condition.

Allele frequency attached by ClinVar (database versions not stated): gnomAD exomes 0.00160 and 0.00355; TOPMed 0.01760; 1000 Genomes Project 0.01777; ExAC 0.01072; ESP Exome Variant Server 0.01539; 1000 Genomes Project 30x 0.01686.
gnomAD v4.1: 4,760 of 1,586,414 alleles (0.3%); highest among the groups gnomAD compares: African/African-American, 5.5%; 118 homozygotes.

Submissions (3):

Labcorp Genetics (formerly Invitae), Labcorp
Classification: Benign. Last evaluated: 2026-02-02. Review status: criteria provided, single submitter. Criteria: Invitae Variant Classification Sherloc (09022015). Collection method: clinical testing. Allele origin: germline.

Breakthrough Genomics
Classification: Benign. Review status: criteria provided, single submitter. Criteria: ACMG Guidelines, 2015. Collection method: not provided. Allele origin: germline. Inheritance: Autosomal recessive inheritance. Affected: yes.

PreventionGenetics, part of Exact Sciences
Classification: Benign for PCLO-related condition. Last evaluated: 2019-04-10. Review status: no assertion criteria provided. Collection method: clinical testing. Allele origin: germline. Not counted in ClinVar's aggregate classification.
Comment: This variant is classified as benign based on ACMG/AMP sequence variant interpretation guidelines (Richards et al. 2015 PMID: 25741868, with internal and published modifications).

NM_033026.6(PCLO):c.7170T>A (p.Pro2390=)

Gene: PCLO (piccolo presynaptic cytomatrix protein; minus strand). Cytogenetic location: 7q21.11.
Variant type: single nucleotide variant.
Coding change: c.7170T>A on transcript NM_033026.6 (MANE Select); coding-DNA position 7170, T replaced by A.
Protein change: p.Pro2390=; no amino-acid change (proline 2390 retained).
Molecular consequence: synonymous variant.
Genome position (GRCh38, 1-based): chr7:82,953,783, A>T on the plus strand (T>A on the coding strand, the complement: PCLO is on the minus strand). VCF-style: chr7-82953783-A-T. GRCh37 (hg19) VCF-style: chr7-82583099-A-T.
Other names: c.7170T>A (NM_033026.5); c.7170T>A, p.Pro2390= (NM_014510.3).
Identifiers: ClinVar variation 1591776 (VCV001591776.11), dbSNP rs115594192, ClinGen allele CA4320350.